The following is an entry in ClinVar:

NM_015046.7(SETX):c.2612A>G (p.Asn871Ser)

Gene: SETX (senataxin; minus strand). Cytogenetic location: 9q34.13.
Variant type: single nucleotide variant.
Coding change: c.2612A>G on transcript NM_015046.7 (MANE Select); coding-DNA position 2612, A replaced by G.
Protein change: p.Asn871Ser; replaces asparagine 871 with serine.
Molecular consequence: missense variant.
Genome position (GRCh38, 1-based): chr9:132,328,986, T>C on the plus strand (A>G on the coding strand, the complement: SETX is on the minus strand). VCF-style: chr9-132328986-T-C. GRCh37 (hg19) VCF-style: chr9-135204373-T-C.
Other names: c.2612A>G, p.Asn871Ser (NM_001351527.2, NM_001351528.2); short protein forms N871S.
Identifiers: ClinVar variation 2041274 (VCV002041274.5), dbSNP rs1221892297, ClinGen allele CA375334912.

ClinVar aggregate classification (germline): Uncertain significance. Review status: criteria provided, single submitter (1 of 4 stars). 2 submissions from 2 submitters: Uncertain significance (1). 1 of the submissions does not count toward it. Last evaluated 2024-07-01.

Conditions:
Amyotrophic lateral sclerosis type 4 (ALS4). Also called: AMYOTROPHIC LATERAL SCLEROSIS 4, JUVENILE; NEURONOPATHY, DISTAL HEREDITARY MOTOR, WITH PYRAMIDAL FEATURES. Identifiers: Orphanet 357043, MedGen C1865409, MONDO:0011223, OMIM 602433.
Spinocerebellar ataxia, autosomal recessive, with axonal neuropathy 2 (SCAN2). Also called: ATAXIA-OCULOMOTOR APRAXIA 2; Ataxia-ocular apraxia-2; Ataxia with Oculomotor Apraxia; Ataxia with Oculomotor Apraxia Type 2. Identifiers: Orphanet 64753, MedGen C1853761, MONDO:0018996, OMIM 606002.
SETX-related disorder. Also called: SETX-related condition; SETX-related disorders. Identifiers: MedGen CN239403.

gnomAD v4.1: 4 of 1,606,742 alleles (0.00025%); highest among the groups gnomAD compares: Non-Finnish European, 0.00034%; no homozygotes.

Submissions (2):

Labcorp Genetics (formerly Invitae), Labcorp
Classification: Uncertain significance for Amyotrophic lateral sclerosis type 4; Spinocerebellar ataxia, autosomal recessive, with axonal neuropathy 2. Last evaluated: 2024-07-01. Review status: criteria provided, single submitter. Criteria: Invitae Variant Classification Sherloc (09022015). Collection method: clinical testing. Allele origin: germline.
Comment: This sequence change replaces asparagine, which is neutral and polar, with serine, which is neutral and polar, at codon 871 of the SETX protein (p.Asn871Ser). This variant is not present in population databases (gnomAD no frequency). This variant has not been reported in the literature in individuals affected with SETX-related conditions. ClinVar contains an entry for this variant (Variation ID: 2041274). Advanced modeling of protein sequence and biophysical properties (such as structural, functional, and spatial information, amino acid conservation, physicochemical variation, residue mobility, and thermodynamic stability) performed at Invitae indicates that this missense variant is not expected to disrupt SETX protein function with a negative predictive value of 95%. In summary, the available evidence is currently insufficient to determine the role of this variant in disease. Therefore, it has been classified as a Variant of Uncertain Significance.

PreventionGenetics, part of Exact Sciences
Classification: Uncertain significance for SETX-related condition. Last evaluated: 2024-03-29. Review status: no assertion criteria provided. Collection method: clinical testing. Allele origin: germline. Not counted in ClinVar's aggregate classification.
Comment: The SETX c.2612A>G variant is predicted to result in the amino acid substitution p.Asn871Ser. To our knowledge, this variant has not been reported in the literature or in gnomAD, indicating this variant is rare. At this time, the clinical significance of this variant is uncertain due to the absence of conclusive functional and genetic evidence.